The following is an entry in ClinVar:

NM_152393.4(KLHL40):c.1532G>A (p.Arg511His)

Gene: KLHL40 (kelch like family member 40; plus strand). Cytogenetic location: 3p22.1.
Variant type: single nucleotide variant.
Coding change: c.1532G>A on transcript NM_152393.4 (MANE Select); coding-DNA position 1532, G replaced by A.
Protein change: p.Arg511His; replaces arginine 511 with histidine.
Molecular consequence: missense variant.
Genome position (GRCh38, 1-based): chr3:42,688,979, G>A. VCF-style: chr3-42688979-G-A. GRCh37 (hg19) VCF-style: chr3-42730471-G-A.
Other names: c.1532G>A (NM_152393.2); short protein forms R511H.
Identifiers: ClinVar variation 2996040 (VCV002996040.4), dbSNP rs772361121, ClinGen allele CA2337002.

ClinVar aggregate classification (germline): Uncertain significance. Review status: criteria provided, multiple submitters, no conflicts (2 of 4 stars). 2 submissions from 2 submitters: Uncertain significance (2). Last evaluated 2024-11-11.

Conditions:
Nemaline myopathy 8 (NEM8). Also called: Nemaline myopathy 8, autosomal recessive. Identifiers: Orphanet 171430, MedGen C3809209, MONDO:0014138, OMIM 615348.
Inborn genetic diseases. Identifiers: MedGen C0950123, MeSH D030342.

Allele frequency attached by ClinVar (database versions not stated): gnomAD 0.00001; ExAC 0.00003.

Submissions (2):

Ambry Genetics
Classification: Uncertain significance for Inborn genetic diseases. Last evaluated: 2024-11-11. Review status: criteria provided, single submitter. Criteria: Ambry Variant Classification Scheme 2023. Collection method: clinical testing. Allele origin: germline.

Labcorp Genetics (formerly Invitae), Labcorp
Classification: Uncertain significance for Nemaline myopathy 8. Last evaluated: 2023-08-07. Review status: criteria provided, single submitter. Criteria: Invitae Variant Classification Sherloc (09022015). Collection method: clinical testing. Allele origin: germline.
Comment: This variant is present in population databases (rs772361121, gnomAD 0.007%). In summary, the available evidence is currently insufficient to determine the role of this variant in disease. Therefore, it has been classified as a Variant of Uncertain Significance. Advanced modeling of protein sequence and biophysical properties (such as structural, functional, and spatial information, amino acid conservation, physicochemical variation, residue mobility, and thermodynamic stability) performed at Invitae indicates that this missense variant is not expected to disrupt KLHL40 protein function. This variant has not been reported in the literature in individuals affected with KLHL40-related conditions. This sequence change replaces arginine, which is basic and polar, with histidine, which is basic and polar, at codon 511 of the KLHL40 protein (p.Arg511His).